The following is an entry in ClinVar:

ClinVar aggregate classification (germline): Uncertain significance (1 of 4 stars; one submission).

Conditions:
Hereditary cancer-predisposing syndrome. Also called: Neoplastic Syndromes, Hereditary; Tumor predisposition; Hereditary Cancer Syndrome; Hereditary neoplastic syndrome. Identifiers: Orphanet 140162, MedGen C0027672, MeSH D009386, MONDO:0015356.

Submission:

Ambry Genetics
Classification: Uncertain significance for Hereditary cancer-predisposing syndrome. Last evaluated: 2025-10-08. Review status: criteria provided, single submitter. Criteria: Ambry Variant Classification Scheme 2023. Collection method: clinical testing. Allele origin: germline.
Comment: The p.L234F variant (also known as c.702A>C), located in coding exon 4 of the MSH3 gene, results from an A to C substitution at nucleotide position 702. The leucine at codon 234 is replaced by phenylalanine, an amino acid with highly similar properties. This amino acid position is conserved. In addition, this alteration is predicted to be tolerated by in silico analysis. Based on the available evidence, the clinical significance of this variant remains unclear.

NM_002439.5(MSH3):c.702A>C (p.Leu234Phe)

Gene: MSH3 (mutS homolog 3; plus strand). Cytogenetic location: 5q14.1.
Variant type: single nucleotide variant.
Coding change: c.702A>C on transcript NM_002439.5 (MANE Select); coding-DNA position 702, A replaced by C.
Protein change: p.Leu234Phe; replaces leucine 234 with phenylalanine.
Molecular consequence: missense variant.
Genome position (GRCh38, 1-based): chr5:80,670,219, A>C. VCF-style: chr5-80670219-A-C. GRCh37 (hg19) VCF-style: chr5-79966038-A-C.
Other names: short protein forms L234F.
Identifiers: ClinVar variation 4654411 (VCV004654411.1).